The following is an entry in ClinVar:

ClinVar aggregate classification (germline): Benign/Likely benign. Review status: criteria provided, multiple submitters, no conflicts (2 of 4 stars). 11 submissions from 11 submitters: Benign (8); Likely benign (1). 2 of the submissions do not count toward it. Last evaluated 2026-02-04.

Conditions:
Hereditary spastic paraplegia 35. Also called: SPASTIC PARAPLEGIA 35, AUTOSOMAL RECESSIVE, WITH OR WITHOUT NEURODEGENERATION; LEUKODYSTROPHY, DYSMYELINATING, AND SPASTIC PARAPARESIS WITH OR WITHOUT DYSTONIA; Spastic paraplegia 35, autosomal recessive; Spastic paraplegia 35. Identifiers: Orphanet 171629, MedGen C3496228, MONDO:0012866, OMIM 612319.
Hereditary spastic paraplegia. Also called: Familial spastic paraparesis. Identifiers: Orphanet 685, MedGen C0037773, MONDO:0019064. Disease mechanism: loss of function.
Spastic paraplegia. Identifiers: MedGen C0037772, HP:0001258.

Allele frequency attached by ClinVar (database versions not stated): 1000 Genomes Project 0.11601; gnomAD exomes 0.11622 and 0.14482; 1000 Genomes Project 30x 0.11899; ExAC 0.11951; gnomAD 0.15342 and 0.15840; TOPMed 0.16159; ESP Exome Variant Server 0.16936.
gnomAD v4.1: 234,587 of 1,613,310 alleles (15%); highest among the groups gnomAD compares: African/African-American, 22%; 18,651 homozygotes.

Submissions (11):

Labcorp Genetics (formerly Invitae), Labcorp
Classification: Benign for Spastic paraplegia. Last evaluated: 2026-02-04. Review status: criteria provided, single submitter. Criteria: Invitae Variant Classification Sherloc (09022015). Collection method: clinical testing. Allele origin: germline.

Blueprint Genetics
Classification: Likely benign. Last evaluated: 2024-11-27. Review status: criteria provided, single submitter. Criteria: ACMG Guidelines, 2015. Collection method: clinical testing. Allele origin: germline.

Illumina Laboratory Services, Illumina
Classification: Benign for Hereditary spastic paraplegia 35. Last evaluated: 2018-01-12. Review status: criteria provided, single submitter. Criteria: ICSL Variant Classification Criteria 13 December 2019. Collection method: clinical testing. Allele origin: germline.
Comment: This variant was observed in the ICSL laboratory as part of a predisposition screen in an ostensibly healthy population. It had not been previously curated by ICSL or reported in the Human Gene Mutation Database (HGMD: prior to June 1st, 2018), and was therefore a candidate for classification through an automated scoring system. Utilizing variant allele frequency, disease prevalence and penetrance estimates, and inheritance mode, an automated score was calculated to assess if this variant is too frequent to cause the disease. Based on the score and internal cut-off values, a variant classified as benign is not then subjected to further curation. The score for this variant resulted in a classification of benign for this disease.

Mayo Clinic Laboratories, Mayo Clinic
Classification: Benign. Last evaluated: 2017-07-25. Review status: criteria provided, single submitter. Criteria: ACMG Guidelines, 2015. Collection method: clinical testing. Allele origin: germline. Observed: 584 variant alleles.

Genome Diagnostics Laboratory, The Hospital for Sick Children
Classification: Benign for Hereditary spastic paraplegia. Last evaluated: 2016-12-12. Review status: criteria provided, single submitter. Criteria: ACMG Guidelines, 2015. Collection method: clinical testing. Allele origin: germline. Affected: yes.

GeneDx
Classification: Benign. Last evaluated: 2016-02-24. Review status: criteria provided, single submitter. Criteria: GeneDx Variant Classification (06012015). Collection method: clinical testing. Allele origin: germline. Affected: yes.
Comment: This variant is considered likely benign or benign based on one or more of the following criteria: it is a conservative change, it occurs at a poorly conserved position in the protein, it is predicted to be benign by multiple in silico algorithms, and/or has population frequency not consistent with disease.

Clinical Genetics DNA and cytogenetics Diagnostics Lab, Erasmus MC, Erasmus Medical Center
Classification: Benign for Hereditary spastic paraplegia 35. Last evaluated: 2015-09-21. Review status: criteria provided, single submitter. Criteria: ACGS Guidelines, 2013. Collection method: clinical testing. Allele origin: germline. Affected: yes. Study: VKGL Data-share Consensus.

Genetic Services Laboratory, University of Chicago
Classification: Benign for AllHighlyPenetrant. Last evaluated: 2013-08-15. Review status: criteria provided, single submitter. Criteria: ACMG Guidelines, 2007. Collection method: clinical testing. Allele origin: germline. Inheritance: Autosomal recessive inheritance.

Breakthrough Genomics
Classification: Benign. Review status: criteria provided, single submitter. Criteria: ACMG Guidelines, 2015. Collection method: not provided. Allele origin: germline. Inheritance: Autosomal recessive inheritance. Affected: yes.

Genome Diagnostics Laboratory, Amsterdam University Medical Center
Classification: Benign for Hereditary spastic paraplegia 35. Last evaluated: 2015-09-21. Review status: no assertion criteria provided. Criteria: ACGS Guidelines, 2013. Collection method: clinical testing. Allele origin: germline. Affected: yes. Study: VKGL Data-share Consensus. Not counted in ClinVar's aggregate classification.

Joint Genome Diagnostic Labs from Nijmegen and Maastricht, Radboudumc and MUMC+
Classification: Benign. Review status: no assertion criteria provided. Collection method: clinical testing. Allele origin: germline. Affected: yes. Study: VKGL Data-share Consensus. Not counted in ClinVar's aggregate classification.

NM_024306.5(FA2H):c.888A>G (p.Val296=)

Gene: FA2H (fatty acid 2-hydroxylase; minus strand). Cytogenetic location: 16q23.1.
Variant type: single nucleotide variant.
Coding change: c.888A>G on transcript NM_024306.5 (MANE Select); coding-DNA position 888, A replaced by G.
Protein change: p.Val296=; no amino-acid change (valine 296 retained).
Molecular consequence: synonymous variant.
Genome position (GRCh38, 1-based): chr16:74,716,498, T>C on the plus strand (A>G on the coding strand, the complement: FA2H is on the minus strand). VCF-style: chr16-74716498-T-C. GRCh37 (hg19) VCF-style: chr16-74750396-T-C.
Other names: p.Val296=.
Identifiers: ClinVar variation 129032 (VCV000129032.27), dbSNP rs11554621, ClinGen allele CA152815.
Genomic context (GRCh38, chr16:74,716,498, plus strand): 5'-GTAATGGGTCATGTCATAGAGGACGTAGCCCAGGAGGCCCCCCGCAAACACAGTGCCCCC[T>C]ACTGCCTCGGGCAGGATGAGCTGCATGCACAAGTAGAAGACGCCGATCACCAGGGAGGCT-3'
Protein context (NP_077282.3, residues 286-306): LCMQLILPEA[Val296=]GGTVFAGGLL